The following is an entry in ClinVar:

ClinVar aggregate classification (germline): Likely pathogenic. Review status: criteria provided, multiple submitters, no conflicts (2 of 4 stars). 2 submissions from 2 submitters: Likely pathogenic (2). Last evaluated 2024-07-30.

Conditions:
PHGDH deficiency. Identifiers: Orphanet 79351, MedGen C1866174, MONDO:0011152, OMIM 601815.

Submissions (2):

Natera, Inc.
Classification: Likely pathogenic for Phosphoglycerate dehydrogenase deficiency. Last evaluated: 2024-07-30. Review status: criteria provided, single submitter. Criteria: Natera Variant Classification Schema (03/2026). Collection method: clinical testing. Allele origin: germline.
Comment: The c.138+1G>T variant in PHGDH is a canonical splice donor site variant predicted to affect pre-mRNA splicing, which may result in an abnormal transcript and altered protein product. This variant is expected to result in nonsense mediated decay, truncation, or a dysfunctional protein product. This variant is rare in the general population with a frequency below the threshold expected for the associated phenotype(s). Given the available evidence, this variant is classified as Likely Pathogenic.

Labcorp Genetics (formerly Invitae), Labcorp
Classification: Likely pathogenic for PHGDH deficiency. Last evaluated: 2023-03-12. Review status: criteria provided, single submitter. Criteria: Invitae Variant Classification Sherloc (09022015). Collection method: clinical testing. Allele origin: germline.
Comment: In summary, the currently available evidence indicates that the variant is pathogenic, but additional data are needed to prove that conclusively. Therefore, this variant has been classified as Likely Pathogenic. Algorithms developed to predict the effect of sequence changes on RNA splicing suggest that this variant may disrupt the consensus splice site. This variant has not been reported in the literature in individuals affected with PHGDH-related conditions. This variant is not present in population databases (gnomAD no frequency). This sequence change affects a donor splice site in intron 1 of the PHGDH gene. It is expected to disrupt RNA splicing. Variants that disrupt the donor or acceptor splice site typically lead to a loss of protein function (PMID: 16199547), and loss-of-function variants in PHGDH are known to be pathogenic (PMID: 14645240, 24836451).

Literature cited by the submitters: PubMed 16199547 (cited by Labcorp Genetics (formerly Invitae), Labcorp); PubMed 14645240 (cited by Labcorp Genetics (formerly Invitae), Labcorp); PubMed 24836451 (cited by Labcorp Genetics (formerly Invitae), Labcorp).

NM_006623.4(PHGDH):c.138+1G>T

Gene: PHGDH (phosphoglycerate dehydrogenase; plus strand). Cytogenetic location: 1p12.
Variant type: single nucleotide variant.
Coding change: c.138+1G>T on transcript NM_006623.4 (MANE Select); the canonical splice donor site of the intron after coding-DNA position 138, G replaced by T.
Molecular consequence: splice donor variant.
Genome position (GRCh38, 1-based): chr1:119,712,161, G>T. VCF-style: chr1-119712161-G-T. GRCh37 (hg19) VCF-style: chr1-120254784-G-T.
Other names: c.138+1G>T (NM_006623.3).
Identifiers: ClinVar variation 2845254 (VCV002845254.4), dbSNP rs2464034378, ClinGen allele CA341415202.
Genomic context (GRCh38, chr1:119,712,161, plus strand): 5'-GGGCTGCAGGTGGTGGAAAAGCAGAACCTTAGCAAAGAGGAGCTGATAGCGGAGCTGCAG[G>T]TAAGGCGAGAGAGAGAAAATTGAGGTCTCTAGGGCAACCTCCATGGAAAAAGGCTGGCTG-3'